The following is an entry in ClinVar:

ClinVar aggregate classification (germline): Benign. Review status: criteria provided, multiple submitters, no conflicts (2 of 4 stars). 3 submissions from 3 submitters: Benign (2). 1 of the submissions does not count toward it. Last evaluated 2026-02-03.

Conditions:
A4GALT-related disorder. Also called: A4GALT-related condition.

Allele frequency attached by ClinVar (database versions not stated): 1000 Genomes Project 0.34904; gnomAD exomes 0.35031 and 0.35825; ExAC 0.35239; ESP Exome Variant Server 0.40420; gnomAD 0.38565 and 0.39070; TOPMed 0.39299; 1000 Genomes Project 30x 0.35556.
gnomAD v4.1: 581,424 of 1,612,248 alleles (36%); highest among the groups gnomAD compares: African/African-American, 48%; 107,518 homozygotes.

Submissions (3):

Labcorp Genetics (formerly Invitae), Labcorp
Classification: Benign. Last evaluated: 2026-02-03. Review status: criteria provided, single submitter. Criteria: Invitae Variant Classification Sherloc (09022015). Collection method: clinical testing. Allele origin: germline.

Breakthrough Genomics
Classification: Benign. Review status: criteria provided, single submitter. Criteria: ACMG Guidelines, 2015. Collection method: not provided. Allele origin: germline. Inheritance: Unknown mechanism. Affected: yes.

PreventionGenetics, part of Exact Sciences
Classification: Benign for A4GALT-related condition. Last evaluated: 2019-10-17. Review status: no assertion criteria provided. Collection method: clinical testing. Allele origin: germline. Not counted in ClinVar's aggregate classification.
Comment: This variant is classified as benign based on ACMG/AMP sequence variant interpretation guidelines (Richards et al. 2015 PMID: 25741868, with internal and published modifications).

NM_017436.7(A4GALT):c.987G>A (p.Thr329=)

Gene: A4GALT (alpha 1,4-galactosyltransferase (P1PK blood group); minus strand). Cytogenetic location: 22q13.2.
Variant type: single nucleotide variant.
Coding change: c.987G>A on transcript NM_017436.7 (MANE Select); coding-DNA position 987, G replaced by A.
Protein change: p.Thr329=; no amino-acid change (threonine 329 retained).
Molecular consequence: synonymous variant.
Genome position (GRCh38, 1-based): chr22:42,692,965, C>T on the plus strand (G>A on the coding strand, the complement: A4GALT is on the minus strand). VCF-style: chr22-42692965-C-T. GRCh37 (hg19) VCF-style: chr22-43088971-C-T.
Other names: c.987G>A, p.Thr329= (NM_001318038.3); c.987G>A (NM_017436.5).
Identifiers: ClinVar variation 1600484 (VCV001600484.11), dbSNP rs9623659, ClinGen allele CA10270166.